The following is an entry in ClinVar:

ClinVar aggregate classification (germline): Conflicting classifications of pathogenicity. Review status: criteria provided, conflicting classifications (1 of 4 stars). 4 submissions from 4 submitters: Uncertain significance (2); Likely benign (2). Last evaluated 2026-07-01.

Conditions:
Inborn genetic diseases. Identifiers: MedGen C0950123, MeSH D030342.

Allele frequency attached by ClinVar (database versions not stated): ExAC 0.00002; gnomAD 0.00002; TOPMed 0.00002.
gnomAD v4.1: 35 of 1,614,020 alleles (0.0022%); highest among the groups gnomAD compares: Middle Eastern, 0.016%; no homozygotes.

Submissions (4):

CeGaT Center for Human Genetics Tuebingen
Classification: Likely benign. Last evaluated: 2026-07-01. Review status: criteria provided, single submitter. Criteria: CeGaT Center For Human Genetics Tuebingen Variant Classification Criteria Version 2. Collection method: clinical testing. Allele origin: germline. Affected: yes. Observed: 2 variant alleles.
Comment: TCF20: BP4

Ambry Genetics
Classification: Uncertain significance for Inborn genetic diseases. Last evaluated: 2023-10-13. Review status: criteria provided, single submitter. Criteria: Ambry Variant Classification Scheme 2023. Collection method: clinical testing. Allele origin: germline.

Labcorp Genetics (formerly Invitae), Labcorp
Classification: Uncertain significance. Last evaluated: 2023-09-30. Review status: criteria provided, single submitter. Criteria: Invitae Variant Classification Sherloc (09022015). Collection method: clinical testing. Allele origin: germline.
Comment: This sequence change replaces arginine, which is basic and polar, with histidine, which is basic and polar, at codon 1283 of the TCF20 protein (p.Arg1283His). This variant is present in population databases (rs750743110, gnomAD 0.01%). This variant has not been reported in the literature in individuals affected with TCF20-related conditions. An algorithm developed to predict the effect of missense changes on protein structure and function (PolyPhen-2) suggests that this variant is likely to be tolerated. In summary, the available evidence is currently insufficient to determine the role of this variant in disease. Therefore, it has been classified as a Variant of Uncertain Significance.

Blueprint Genetics
Classification: Likely benign. Last evaluated: 2021-10-15. Review status: criteria provided, single submitter. Criteria: ACMG Guidelines, 2015. Collection method: clinical testing. Allele origin: germline.

NM_001378418.1(TCF20):c.3848G>A (p.Arg1283His)

Gene: TCF20 (transcription factor 20; minus strand). Cytogenetic location: 22q13.2.
Variant type: single nucleotide variant.
Coding change: c.3848G>A on transcript NM_001378418.1 (MANE Select); coding-DNA position 3848, G replaced by A.
Protein change: p.Arg1283His; replaces arginine 1283 with histidine.
Molecular consequence: missense variant.
Genome position (GRCh38, 1-based): chr22:42,211,458, C>T on the plus strand (G>A on the coding strand, the complement: TCF20 is on the minus strand). VCF-style: chr22-42211458-C-T. GRCh37 (hg19) VCF-style: chr22-42607464-C-T.
Other names: c.3848G>A (NM_005650.1); c.3848G>A, p.Arg1283His (NM_005650.4, NM_181492.3); short protein forms R1283H.
Identifiers: ClinVar variation 2653247 (VCV002653247.29), dbSNP rs750743110, ClinGen allele CA10266768.